The following is an entry in ClinVar:

ClinVar aggregate classification (germline): Uncertain significance. Review status: criteria provided, multiple submitters, no conflicts (2 of 4 stars). 2 submissions from 2 submitters: Uncertain significance (2). Last evaluated 2025-10-02.

Conditions:
Multiple endocrine neoplasia type 4. Also called: MULTIPLE ENDOCRINE NEOPLASIA, TYPE IV. Identifiers: Orphanet 276152, MedGen C1970712, MONDO:0012552, OMIM 610755.
Hereditary cancer-predisposing syndrome. Also called: Neoplastic Syndromes, Hereditary; Tumor predisposition; Hereditary Cancer Syndrome; Hereditary neoplastic syndrome. Identifiers: Orphanet 140162, MedGen C0027672, MeSH D009386, MONDO:0015356.

Submissions (2):

Labcorp Genetics (formerly Invitae), Labcorp
Classification: Uncertain significance for Multiple endocrine neoplasia type 4. Last evaluated: 2025-10-02. Review status: criteria provided, single submitter. Criteria: Invitae Variant Classification Sherloc (09022015). Collection method: clinical testing. Allele origin: germline.
Comment: This sequence change replaces proline, which is neutral and non-polar, with alanine, which is neutral and non-polar, at codon 114 of the CDKN1B protein (p.Pro114Ala). This variant is not present in population databases (gnomAD no frequency). This variant has not been reported in the literature in individuals affected with CDKN1B-related conditions. ClinVar contains an entry for this variant (Variation ID: 2174430). An algorithm developed to predict the effect of missense changes on protein structure and function (PolyPhen-2) suggests that this variant is likely to be tolerated. In summary, the available evidence is currently insufficient to determine the role of this variant in disease. Therefore, it has been classified as a Variant of Uncertain Significance.

Ambry Genetics
Classification: Uncertain significance for Hereditary cancer-predisposing syndrome. Last evaluated: 2024-03-27. Review status: criteria provided, single submitter. Criteria: Ambry Variant Classification Scheme 2023. Collection method: clinical testing. Allele origin: germline.
Comment: The p.P114A variant (also known as c.340C>G), located in coding exon 1 of the CDKN1B gene, results from a C to G substitution at nucleotide position 340. The proline at codon 114 is replaced by alanine, an amino acid with highly similar properties. This amino acid position is conserved. In addition, this alteration is predicted to be tolerated by in silico analysis. Based on the available evidence, the clinical significance of this alteration remains unclear.

NM_004064.5(CDKN1B):c.340C>G (p.Pro114Ala)

Gene: CDKN1B (cyclin dependent kinase inhibitor 1B; plus strand). Cytogenetic location: 12p13.1.
Variant type: single nucleotide variant.
Coding change: c.340C>G on transcript NM_004064.5 (MANE Select); coding-DNA position 340, C replaced by G.
Protein change: p.Pro114Ala; replaces proline 114 with alanine.
Molecular consequence: missense variant.
Genome position (GRCh38, 1-based): chr12:12,718,179, C>G. VCF-style: chr12-12718179-C-G. GRCh37 (hg19) VCF-style: chr12-12871113-C-G.
Other names: c.340C>G (NM_004064.3); short protein forms P114A.
Identifiers: ClinVar variation 2174430 (VCV002174430.5), dbSNP rs1946495778, ClinGen allele CA383970299.